The following is an entry in ClinVar:

ClinVar aggregate classification (germline): Uncertain significance. Review status: criteria provided, multiple submitters, no conflicts (2 of 4 stars). 2 submissions from 2 submitters: Uncertain significance (2). Last evaluated 2023-12-11.

Conditions:
Intellectual developmental disorder, X-linked, syndromic 33. Also called: Intellectual disability, X-linked, syndromic 33; X-linked intellectual disability-global development delay-facial dysmorphism-sacral caudal remnant syndrome. Identifiers: Orphanet 480907, MedGen C4225418, MONDO:0010500, OMIM 300966.

Submissions (2):

Labcorp Genetics (formerly Invitae), Labcorp
Classification: Uncertain significance. Last evaluated: 2023-12-11. Review status: criteria provided, single submitter. Criteria: Invitae Variant Classification Sherloc (09022015). Collection method: clinical testing. Allele origin: germline.
Comment: This sequence change replaces serine, which is neutral and polar, with asparagine, which is neutral and polar, at codon 1699 of the TAF1 protein (p.Ser1699Asn). This variant is not present in population databases (gnomAD no frequency). This variant has not been reported in the literature in individuals affected with TAF1-related conditions. Algorithms developed to predict the effect of missense changes on protein structure and function output the following: SIFT: "Not Available"; PolyPhen-2: "Benign"; Align-GVGD: "Not Available". The asparagine amino acid residue is found in multiple mammalian species, which suggests that this missense change does not adversely affect protein function. In summary, the available evidence is currently insufficient to determine the role of this variant in disease. Therefore, it has been classified as a Variant of Uncertain Significance.

Illumina Laboratory Services, Illumina
Classification: Uncertain significance for Intellectual developmental disorder, X-linked, syndromic 33. Last evaluated: 2023-08-02. Review status: criteria provided, single submitter. Criteria: ICSLVariantClassificationCriteria RUGD 01 April 2020. Collection method: clinical testing. Allele origin: unknown.
Comment: The TAF1 c.5036G>A (p.Ser1679Asn) missense variant has not, to our knowledge, been reported in the peer-reviewed literature. This variant is not observed in version 2.1.1 or version 3.1.2 of the Genome Aggregation Database. Missense variants in TAF1 are a known mechanism of disease. Computational evidence suggests the variant may not impact the gene or gene product. Based on the available evidence, the c.5036G>A (p.Ser1679Asn) variant is classified as a variant of uncertain significance for X-linked syndromic intellectual developmental disorder.

NM_004606.5(TAF1):c.5036G>A (p.Ser1679Asn)

Gene: TAF1 (TATA-box binding protein associated factor 1; plus strand). Cytogenetic location: Xq13.1.
Variant type: single nucleotide variant.
Coding change: c.5036G>A on transcript NM_004606.5 (MANE Select); coding-DNA position 5036, G replaced by A.
Protein change: p.Ser1679Asn; replaces serine 1679 with asparagine.
Molecular consequence: missense variant. On other transcripts: non-coding transcript variant (9).
Genome position (GRCh38, 1-based): chrX:71,458,338, G>A. VCF-style: chrX-71458338-G-A. GRCh37 (hg19) VCF-style: chrX-70678188-G-A.
Other names: c.5042G>A, p.Ser1681Asn (NM_001286074.2); c.4973G>A, p.Ser1658Asn (NM_138923.4); short protein forms S1658N, S1679N, S1681N.
Identifiers: ClinVar variation 2637965 (VCV002637965.4), dbSNP rs966497425, ClinGen allele CA331022650.